The following is an entry in ClinVar:

NM_032634.4(PIGO):c.1526A>T (p.Asp509Val)

Gene: PIGO (phosphatidylinositol glycan anchor biosynthesis class O; minus strand). Cytogenetic location: 9p13.3.
Variant type: single nucleotide variant.
Coding change: c.1526A>T on transcript NM_032634.4 (MANE Select); coding-DNA position 1526, A replaced by T.
Protein change: p.Asp509Val; replaces aspartic acid 509 with valine.
Molecular consequence: missense variant. On other transcripts: intron variant (2).
Genome position (GRCh38, 1-based): chr9:35,092,361, T>A on the plus strand (A>T on the coding strand, the complement: PIGO is on the minus strand). VCF-style: chr9-35092361-T-A. GRCh37 (hg19) VCF-style: chr9-35092358-T-A.
Other names: c.1344+182A>T (NM_152850.4, NM_001201484.2); short protein forms D509V.
Identifiers: ClinVar variation 661597 (VCV000661597.8), dbSNP rs1307463691, ClinGen allele CA373321941.

ClinVar aggregate classification (germline): Uncertain significance (1 of 4 stars; one submission).

Conditions:
Hyperphosphatasia with impaired intellectual development syndrome 2. Also called: Hyperphosphatasia with intellectual disability syndrome 2; GLYCOSYLPHOSPHATIDYLINOSITOL BIOSYNTHESIS DEFECT 6. Identifiers: Orphanet 247262, MedGen C3553637, MONDO:0013882, OMIM 614749.

Allele frequency attached by ClinVar (database versions not stated): gnomAD exomes below 0.00001; gnomAD 0.00001.

Submission:

Labcorp Genetics (formerly Invitae), Labcorp
Classification: Uncertain significance for Hyperphosphatasia with impaired intellectual development syndrome 2. Last evaluated: 2020-01-22. Review status: criteria provided, single submitter. Criteria: Invitae Variant Classification Sherloc (09022015). Collection method: clinical testing. Allele origin: germline.
Comment: In summary, the available evidence is currently insufficient to determine the role of this variant in disease. Therefore, it has been classified as a Variant of Uncertain Significance. Algorithms developed to predict the effect of missense changes on protein structure and function are either unavailable or do not agree on the potential impact of this missense change (SIFT: "Tolerated"; PolyPhen-2: "Possibly Damaging"; Align-GVGD: "Class C0"). This variant has not been reported in the literature in individuals with PIGO-related disease. This variant is not present in population databases (ExAC no frequency). This sequence change replaces aspartic acid with valine at codon 509 of the PIGO protein (p.Asp509Val). The aspartic acid residue is moderately conserved and there is a large physicochemical difference between aspartic acid and valine.